The following is an entry in ClinVar:

NM_206933.4(USH2A):c.10612C>T (p.Arg3538Ter)

Gene: USH2A (usherin; minus strand). Cytogenetic location: 1q41.
Variant type: single nucleotide variant.
Coding change: c.10612C>T on transcript NM_206933.4 (MANE Select); coding-DNA position 10612, C replaced by T.
Protein change: p.Arg3538Ter; replaces arginine 3538 with a stop codon.
Molecular consequence: nonsense.
Genome position (GRCh38, 1-based): chr1:215,782,170, G>A on the plus strand (C>T on the coding strand, the complement: USH2A is on the minus strand). VCF-style: chr1-215782170-G-A. GRCh37 (hg19) VCF-style: chr1-215955512-G-A.
Other names: short protein forms R3538*.
Identifiers: ClinVar variation 236544 (VCV000236544.40), dbSNP rs878853413, ClinGen allele CA10581638.
Genomic context (GRCh38, chr1:215,782,170, plus strand): 5'-GAATTCCCTCTTTATCAGAGAAGCTCAGTGATGTTCCCCGAAAACGTTCAATTCCATTTC[G>A]AAGAAGGATGTAGTAAATAATAGGACCTAAAAGAAGCAGAAAAATGACTGCATTTGAATG-3'

ClinVar aggregate classification (germline): Pathogenic. Review status: criteria provided, multiple submitters, no conflicts (2 of 4 stars). 8 submissions from 8 submitters: Pathogenic (7). 1 of the submissions does not count toward it. Last evaluated 2026-02-27.

Conditions:
Usher syndrome. Also called: Usher Syndromes; Usher's syndrome. Identifiers: Orphanet 886, MedGen CN469326, MeSH D052245, MONDO:0019501. Disease mechanism: loss of function.
USH2A-related disorder. Also called: USH2A-related disorders; USH2A-related condition. Identifiers: MedGen CN239332.
Usher syndrome type 2A. Also called: RETINAL DISEASE IN USHER SYNDROME TYPE IIA, MODIFIER OF; USHER SYNDROME, TYPE IIA. Identifiers: Orphanet 231178, Orphanet 886, MedGen C1848634, MONDO:0010169, OMIM 276901.
Retinitis pigmentosa 39 (RP39). Identifiers: Orphanet 791, MedGen C3151138, MONDO:0013436, OMIM 613809.
Retinal dystrophy. Also called: Inherited retinal dystrophy. Identifiers: Orphanet 71862, MedGen C0854723, MeSH D058499, MONDO:0019118, HP:0000556.

Allele frequency attached by ClinVar (database versions not stated): gnomAD exomes below 0.00001; TOPMed 0.00001.
gnomAD v4.1: 3 of 1,613,850 alleles (0.00019%); highest among the groups gnomAD compares: East Asian, 0.0022%; no homozygotes.

Submissions (8):

PreventionGenetics, part of Exact Sciences
Classification: Pathogenic for USH2A-related condition. Last evaluated: 2026-02-27. Review status: criteria provided, single submitter. Criteria: ACMG Guidelines, 2015. Collection method: clinical testing. Allele origin: germline.
Comment: The USH2A c.10612C>T variant is predicted to result in premature protein termination (p.Arg3538*). This variant has been reported in individuals with Usher syndrome or inherited retinal disease (see for example: Jiang et al. 2015. PubMed ID: 26338283; Duzkale et al. 2021. PubMed ID: 34315337; Supplementary table 3, Zhu et al. 2021. PubMed ID: 32675063). This variant is reported in 0.0054% of alleles in individuals of East Asian descent in gnomAD. Nonsense variants in USH2A are expected to be pathogenic. This variant is interpreted as pathogenic.

Labcorp Genetics (formerly Invitae), Labcorp
Classification: Pathogenic. Last evaluated: 2025-02-13. Review status: criteria provided, single submitter. Criteria: Invitae Variant Classification Sherloc (09022015). Collection method: clinical testing. Allele origin: germline.
Comment: This sequence change creates a premature translational stop signal (p.Arg3538*) in the USH2A gene. It is expected to result in an absent or disrupted protein product. Loss-of-function variants in USH2A are known to be pathogenic (PMID: 10729113, 10909849, 20507924, 25649381). The frequency data for this variant in the population databases is considered unreliable, as metrics indicate poor data quality at this position in the gnomAD database. This premature translational stop signal has been observed in individual(s) with Usher syndrome (PMID: 25649381, 26338283). ClinVar contains an entry for this variant (Variation ID: 236544). For these reasons, this variant has been classified as Pathogenic.

GeneDx
Classification: Pathogenic. Last evaluated: 2024-11-14. Review status: criteria provided, single submitter. Criteria: GeneDx Variant Classification Process June 2021. Collection method: clinical testing. Allele origin: germline. Affected: yes.
Comment: Nonsense variant predicted to result in protein truncation or nonsense mediated decay in a gene for which loss of function is a known mechanism of disease; Not observed at significant frequency in large population cohorts (gnomAD); This variant is associated with the following publications: (PMID: 34315337, 34426522, 32675063, 32037395, 26338283, 32579692, 25649381)

Baylor Genetics
Classification: Pathogenic for Retinitis pigmentosa 39. Last evaluated: 2024-02-08. Review status: criteria provided, single submitter. Criteria: ACMG Guidelines, 2015. Collection method: clinical testing. Allele origin: unknown.

Genome-Nilou Lab
Classification: Pathogenic for Usher syndrome type 2A. Last evaluated: 2023-11-04. Review status: criteria provided, single submitter. Criteria: ACMG Guidelines, 2015. Collection method: clinical testing. Allele origin: germline. Affected: no.

SN ONGC Dept of Genetics and Molecular biology Vision Research Foundation
Classification: Pathogenic for Usher syndrome. Last evaluated: 2022-12-31. Review status: criteria provided, single submitter. Criteria: ACMG Guidelines, 2015. Collection method: research. Allele origin: paternal. Affected: yes. Observed: 1 variant allele, 1 heterozygote.

Juno Genomics, Hangzhou Juno Genomics, Inc
Classification: Pathogenic for Usher syndrome type 2A; Retinitis pigmentosa 39. Review status: criteria provided, single submitter. Criteria: ACMG Guidelines, 2015. Collection method: clinical testing. Allele origin: germline.
Comment: Absent from controls (or at extremely low frequency if recessive) in Genome Aggregation Database.;Null variant in a gene where loss of function (LOF) is a known mechanism of disease.;For recessive disorders, detected in trans with a pathogenic variant.;Patient's phenotype or family history is highly specific for a disease with a single genetic etiology.

Centre for Genomic Medicine, Manchester, Central Manchester University Hospitals
Classification: Likely pathogenic for Retinal dystrophy. Review status: no assertion criteria provided. Collection method: clinical testing. Allele origin: germline. Affected: yes. Not counted in ClinVar's aggregate classification.

Literature cited by the submitters: PubMed 10729113 (cited by Labcorp Genetics (formerly Invitae), Labcorp); PubMed 10909849 (cited by Labcorp Genetics (formerly Invitae), Labcorp); PubMed 20507924 (cited by Labcorp Genetics (formerly Invitae), Labcorp); PubMed 25649381 (cited by Labcorp Genetics (formerly Invitae), Labcorp); PubMed 26338283 (cited by Labcorp Genetics (formerly Invitae), Labcorp).